The following is an entry in ClinVar:

ClinVar aggregate classification (germline): Uncertain significance (1 of 4 stars; one submission).

Conditions:
Intellectual developmental disorder, autosomal dominant 52. Also called: Intellectual disability, autosomal dominant 52; Mental retardation, autosomal dominant 52. Identifiers: MedGen C4540478, MONDO:0030918, OMIM 617796.

Allele frequency attached by ClinVar (database versions not stated): gnomAD 0.00001; gnomAD exomes below 0.00001; TOPMed below 0.00001.
gnomAD v4.1: 7 of 1,614,040 alleles (0.00043%); highest among the groups gnomAD compares: East Asian, 0.0022%; no homozygotes.

Submission:

MGZ Medical Genetics Center
Classification: Uncertain significance for Intellectual developmental disorder, autosomal dominant 52. Last evaluated: 2022-08-03. Review status: criteria provided, single submitter. Criteria: ACMG Guidelines, 2015. Collection method: clinical testing. Allele origin: germline. Affected: yes. Observed: 2 variant alleles.
Comment: ACMG criteria applied: PM2_SUP, PP2, PP3

NM_018489.3(ASH1L):c.5555G>A (p.Arg1852Gln)

Gene: ASH1L (ASH1 like histone lysine methyltransferase; minus strand). Cytogenetic location: 1q22.
Variant type: single nucleotide variant.
Coding change: c.5555G>A on transcript NM_018489.3 (MANE Select); coding-DNA position 5555, G replaced by A.
Protein change: p.Arg1852Gln; replaces arginine 1852 with glutamine.
Molecular consequence: missense variant.
Genome position (GRCh38, 1-based): chr1:155,438,600, C>T on the plus strand (G>A on the coding strand, the complement: ASH1L is on the minus strand). VCF-style: chr1-155438600-C-T. GRCh37 (hg19) VCF-style: chr1-155408391-C-T.
Other names: c.5555G>A, p.Arg1852Gln (NM_001366177.2); short protein forms R1852Q.
Identifiers: ClinVar variation 1709696 (VCV001709696.2), dbSNP rs1469393354, ClinGen allele CA342689150.